The following is an entry in ClinVar:

NM_177433.3(MAGED2):c.1306C>T (p.Pro436Ser)

Gene: MAGED2 (MAGE family member D2; plus strand). Cytogenetic location: Xp11.21.
Variant type: single nucleotide variant.
Coding change: c.1306C>T on transcript NM_177433.3 (MANE Select); coding-DNA position 1306, C replaced by T.
Protein change: p.Pro436Ser; replaces proline 436 with serine.
Molecular consequence: missense variant.
Genome position (GRCh38, 1-based): chrX:54,814,695, C>T. VCF-style: chrX-54814695-C-T. GRCh37 (hg19) VCF-style: chrX-54841128-C-T.
Other names: c.1306C>T (NM_201222.1); c.1306C>T, p.Pro436Ser (NM_014599.6, NM_201222.3); short protein forms P436S.
Identifiers: ClinVar variation 2087025 (VCV002087025.5), dbSNP rs369099604, ClinGen allele CA10426875.

ClinVar aggregate classification (germline): Uncertain significance. Review status: criteria provided, multiple submitters, no conflicts (2 of 4 stars). 2 submissions from 2 submitters: Uncertain significance (2). Last evaluated 2026-04-30.

Conditions:
Inborn genetic diseases. Identifiers: MedGen C0950123, MeSH D030342.

Allele frequency attached by ClinVar (database versions not stated): ExAC 0.00001; TOPMed 0.00002; ESP Exome Variant Server 0.00009.

Submissions (2):

Ambry Genetics
Classification: Uncertain significance for Inborn genetic diseases. Last evaluated: 2026-04-30. Review status: criteria provided, single submitter. Criteria: Ambry Variant Classification Scheme 2023. Collection method: clinical testing. Allele origin: germline.

Labcorp Genetics (formerly Invitae), Labcorp
Classification: Uncertain significance. Last evaluated: 2025-06-12. Review status: criteria provided, single submitter. Criteria: Invitae Variant Classification Sherloc (09022015). Collection method: clinical testing. Allele origin: germline.
Comment: This sequence change replaces proline, which is neutral and non-polar, with serine, which is neutral and polar, at codon 436 of the MAGED2 protein (p.Pro436Ser). This variant is present in population databases (rs369099604, gnomAD 0.008%). This variant has not been reported in the literature in individuals affected with MAGED2-related conditions. ClinVar contains an entry for this variant (Variation ID: 2087025). An algorithm developed to predict the effect of missense changes on protein structure and function (PolyPhen-2) suggests that this variant is likely to be disruptive. In summary, the available evidence is currently insufficient to determine the role of this variant in disease. Therefore, it has been classified as a Variant of Uncertain Significance.